The following is an entry in ClinVar:

ClinVar aggregate classification (germline): Uncertain significance. Review status: criteria provided, multiple submitters, no conflicts (2 of 4 stars). 2 submissions from 2 submitters: Uncertain significance (2). Last evaluated 2024-11-11.

Conditions:
Aortic aneurysm, familial thoracic 6 (AAT6). Also called: FAMILIAL THORACIC AORTIC ANEURYSM WITH LIVEDO RETICULARIS AND IRIS FLOCCULI. Identifiers: MedGen C2673186, MONDO:0012730, OMIM 611788.
Thoracic aortic aneurysm or dissection.

Submissions (2):

NHS Central & South Genomic Laboratory Hub
Classification: Uncertain significance for Thoracic aortic aneurysm or dissection. Last evaluated: 2024-11-11. Review status: criteria provided, single submitter. Criteria: ACMG Guidelines, 2015. Collection method: clinical testing. Allele origin: germline. Affected: yes.

Labcorp Genetics (formerly Invitae), Labcorp
Classification: Uncertain significance for Aortic aneurysm, familial thoracic 6. Last evaluated: 2024-07-03. Review status: criteria provided, single submitter. Criteria: Invitae Variant Classification Sherloc (09022015). Collection method: clinical testing. Allele origin: germline.
Comment: This sequence change replaces glycine, which is neutral and non-polar, with valine, which is neutral and non-polar, at codon 160 of the ACTA2 protein (p.Gly160Val). This variant is not present in population databases (gnomAD no frequency). This missense change has been observed in individual(s) with aortic aneurysm and/or dissection and/or thoracic aortic dissection (Invitae). It has also been observed to segregate with disease in related individuals. Advanced modeling of protein sequence and biophysical properties (such as structural, functional, and spatial information, amino acid conservation, physicochemical variation, residue mobility, and thermodynamic stability) performed at Invitae indicates that this missense variant is expected to disrupt ACTA2 protein function with a positive predictive value of 80%. This variant disrupts the p.Gly160 amino acid residue in ACTA2. Other variant(s) that disrupt this residue have been observed in individuals with ACTA2-related conditions (PMID: 19409525; Invitae), which suggests that this may be a clinically significant amino acid residue. In summary, the available evidence is currently insufficient to determine the role of this variant in disease. Therefore, it has been classified as a Variant of Uncertain Significance.

Literature cited by the submitters: PubMed 19409525 (cited by Labcorp Genetics (formerly Invitae), Labcorp).

NM_001613.4(ACTA2):c.479G>T (p.Gly160Val)

Gene: ACTA2 (actin alpha 2, smooth muscle; minus strand). Cytogenetic location: 10q23.31.
Variant type: single nucleotide variant.
Coding change: c.479G>T on transcript NM_001613.4 (MANE Select); coding-DNA position 479, G replaced by T.
Protein change: p.Gly160Val; replaces glycine 160 with valine.
Molecular consequence: missense variant.
Genome position (GRCh38, 1-based): chr10:88,941,366, C>A on the plus strand (G>T on the coding strand, the complement: ACTA2 is on the minus strand). VCF-style: chr10-88941366-C-A. GRCh37 (hg19) VCF-style: chr10-90701123-C-A.
Other names: c.479G>T, p.Gly160Val (NM_001141945.3, NM_001320855.2, NM_001406462.1 and 3 more transcripts); c.368G>T, p.Gly123Val (NM_001406466.1); c.350G>T, p.Gly117Val (NM_001406467.1, NM_001406468.1, NM_001406469.1); short protein forms G117V, G123V, G160V.
Identifiers: ClinVar variation 3374753 (VCV003374753.3).